The following is an entry in ClinVar:

NM_021005.3(NR2F2):c.-5753G>A

Genes: NR2F2 (nuclear receptor subfamily 2 group F member 2; plus strand), NR2F2-AS1 (NR2F2 antisense RNA 1; minus strand). Cytogenetic location: 15q26.2.
Variant type: single nucleotide variant.
Coding change: c.-5753G>A on transcript NM_021005.3; 5753 bases upstream of the start codon, G replaced by A.
Molecular consequence: splice donor variant (on NM_001145155.2).
Genome position (GRCh38, 1-based): chr15:96,326,353, G>A. VCF-style: chr15-96326353-G-A. GRCh37 (hg19) VCF-style: chr15-96869582-G-A.
Other names: c.43+1G>A (NM_001145155.2).
Identifiers: ClinVar variation 426710 (VCV000426710.4), dbSNP rs1085307757, ClinGen allele CA393929380.

ClinVar aggregate classification (germline): Uncertain significance (1 of 4 stars; one submission).

Allele frequency attached by ClinVar (database versions not stated): gnomAD exomes below 0.00001; TOPMed below 0.00001; gnomAD 0.00001.

Submission:

GeneDx
Classification: Uncertain significance. Last evaluated: 2017-04-06. Review status: criteria provided, single submitter. Criteria: GeneDx Variant Classification (06012015). Collection method: clinical testing. Allele origin: germline. Affected: yes.
Comment: The c.43+1G>A variant in the NR2F2 gene has not been reported previously as a pathogenic variant nor as a benign variant, to our knowledge. This variant is not observed in large population cohorts (Lek et al., 2016; 1000 Genomes Consortium et al., 2015; Exome Variant Server). The c.43+1G>A splice site variant destroys the canonical splice donor site in intron 1. It is predicted to cause abnormal gene splicing, either leading to an abnormal message that is subject to nonsense-mediated mRNA decay, or to an abnormal protein product if the message is used for protein translation. However, this variant occurs in an alternate transcript of NR2F2 where no disease-associated variants have been reported. We interpret c.43+1G>A as variant of uncertain significance.